The following is an entry in ClinVar:

ClinVar aggregate classification (germline): Conflicting classifications of pathogenicity. Review status: criteria provided, conflicting classifications (1 of 4 stars). 2 submissions from 2 submitters: Pathogenic (1); Uncertain significance (1). Last evaluated 2021-12-23.

Submissions (2):

Labcorp Genetics (formerly Invitae), Labcorp
Classification: Uncertain significance. Last evaluated: 2021-12-23. Review status: criteria provided, single submitter. Criteria: Invitae Variant Classification Sherloc (09022015). Collection method: clinical testing. Allele origin: germline.
Comment: This sequence change replaces glycine, which is neutral and non-polar, with arginine, which is basic and polar, at codon 216 of the COL4A5 protein (p.Gly216Arg). This variant is not present in population databases (gnomAD no frequency). This missense change has been observed in individual(s) with Alport syndrome (PMID: 8738805). ClinVar contains an entry for this variant (Variation ID: 24307). Algorithms developed to predict the effect of missense changes on protein structure and function are either unavailable or do not agree on the potential impact of this missense change (SIFT: "Deleterious"; PolyPhen-2: "Not Available"; Align-GVGD: "Class C15"). Algorithms developed to predict the effect of sequence changes on RNA splicing suggest that this variant may disrupt the consensus splice site. This variant disrupts the p.Gly216 amino acid residue in COL4A5. Other variant(s) that disrupt this residue have been determined to be pathogenic (PMID: 20378821, 22921432; Invitae). This suggests that this residue is clinically significant, and that variants that disrupt this residue are likely to be disease-causing. In summary, the available evidence is currently insufficient to determine the role of this variant in disease. Therefore, it has been classified as a Variant of Uncertain Significance.

Gharavi Laboratory, Columbia University
Classification: Pathogenic. Last evaluated: 2018-09-16. Review status: criteria provided, single submitter. Criteria: ACMG Guidelines, 2015. Collection method: research. Allele origin: germline. Affected: yes.

Literature cited by the submitters: PubMed 8738805 (cited by Labcorp Genetics (formerly Invitae), Labcorp); PubMed 20378821 (cited by Labcorp Genetics (formerly Invitae), Labcorp); PubMed 22921432 (cited by Labcorp Genetics (formerly Invitae), Labcorp).

NM_033380.3(COL4A5):c.646G>A (p.Gly216Arg)

Gene: COL4A5 (collagen type IV alpha 5 chain; plus strand). Cytogenetic location: Xq22.3.
Variant type: single nucleotide variant.
Coding change: c.646G>A on transcript NM_033380.3 (MANE Select); coding-DNA position 646, G replaced by A.
Protein change: p.Gly216Arg; replaces glycine 216 with arginine.
Molecular consequence: missense variant.
Genome position (GRCh38, 1-based): chrX:108,578,078, G>A. VCF-style: chrX-108578078-G-A. GRCh37 (hg19) VCF-style: chrX-107821308-G-A.
Other names: c.646G>A, p.Gly216Arg (NM_000495.5); short protein forms G216R.
Identifiers: ClinVar variation 24307 (VCV000024307.8), dbSNP rs104886067, ClinGen allele CA258301.
Genomic context (GRCh38, chrX:108,578,078, plus strand): 5'-TGGTGTGGATTCCTTTTCTTACTGTCAGTGAGATTTTTAAATGGAAACTTCTCTCTCCAG[G>A]GGAATATGGGCTTAAATTTCCAGGGACCCAAAGGTGAAAAAGTGAGTAAAGAAAGAGAGC-3'
Protein context (NP_203699.1, residues 206-226): PGPPGLPGPK[Gly216Arg]NMGLNFQGPK